The following is an entry in ClinVar:

NM_006005.3(WFS1):c.1858G>A (p.Val620Met)

Gene: WFS1 (wolframin ER transmembrane glycoprotein; plus strand). Cytogenetic location: 4p16.1.
Variant type: single nucleotide variant.
Coding change: c.1858G>A on transcript NM_006005.3 (MANE Select); coding-DNA position 1858, G replaced by A.
Protein change: p.Val620Met; replaces valine 620 with methionine.
Molecular consequence: missense variant.
Genome position (GRCh38, 1-based): chr4:6,301,653, G>A. VCF-style: chr4-6301653-G-A. GRCh37 (hg19) VCF-style: chr4-6303380-G-A.
Other names: c.1858G>A, p.Val620Met (NM_001145853.1); short protein forms V620M.
Identifiers: ClinVar variation 1461233 (VCV001461233.6), dbSNP rs766526922, ClinGen allele CA356176978.

ClinVar aggregate classification (germline): Uncertain significance (1 of 4 stars; one submission).

gnomAD v4.1: 1 of 1,614,114 alleles (0.000062%); highest among the groups gnomAD compares: Non-Finnish European, 0.000085%; no homozygotes.

Submission:

Labcorp Genetics (formerly Invitae), Labcorp
Classification: Uncertain significance. Last evaluated: 2023-07-17. Review status: criteria provided, single submitter. Criteria: Invitae Variant Classification Sherloc (09022015). Collection method: clinical testing. Allele origin: germline.
Comment: Advanced modeling of protein sequence and biophysical properties (such as structural, functional, and spatial information, amino acid conservation, physicochemical variation, residue mobility, and thermodynamic stability) performed at Invitae indicates that this missense variant is not expected to disrupt WFS1 protein function. In summary, the available evidence is currently insufficient to determine the role of this variant in disease. Therefore, it has been classified as a Variant of Uncertain Significance. ClinVar contains an entry for this variant (Variation ID: 1461233). This variant has not been reported in the literature in individuals affected with WFS1-related conditions. This variant is not present in population databases (gnomAD no frequency). This sequence change replaces valine, which is neutral and non-polar, with methionine, which is neutral and non-polar, at codon 620 of the WFS1 protein (p.Val620Met).